The following is an entry in ClinVar:

ClinVar aggregate classification (germline): Uncertain significance. Review status: criteria provided, multiple submitters, no conflicts (2 of 4 stars). 2 submissions from 2 submitters: Uncertain significance (2). Last evaluated 2023-03-24.

Conditions:
ZTTK syndrome (ZTTKS). Also called: Zhu-Tokita-Takenouchi-Kim Syndrome; ZTTK MULTIPLE CONGENITAL ANOMALIES-MENTAL RETARDATION SYNDROME. Identifiers: Orphanet 500150, MedGen C4310696, MONDO:0014936, OMIM 617140.

Allele frequency attached by ClinVar (database versions not stated): gnomAD exomes below 0.00001.
gnomAD v4.1: 2 of 1,613,378 alleles (0.00012%); highest among the groups gnomAD compares: Non-Finnish European, 0.00017%; no homozygotes.

Submissions (2):

Labcorp Genetics (formerly Invitae), Labcorp
Classification: Uncertain significance. Last evaluated: 2023-03-24. Review status: criteria provided, single submitter. Criteria: Invitae Variant Classification Sherloc (09022015). Collection method: clinical testing. Allele origin: germline.
Comment: This sequence change replaces proline, which is neutral and non-polar, with leucine, which is neutral and non-polar, at codon 633 of the SON protein (p.Pro633Leu). This variant is not present in population databases (gnomAD no frequency). This variant has not been reported in the literature in individuals affected with SON-related conditions. ClinVar contains an entry for this variant (Variation ID: 2436223). An algorithm developed to predict the effect of missense changes on protein structure and function (PolyPhen-2) suggests that this variant is likely to be disruptive. In summary, the available evidence is currently insufficient to determine the role of this variant in disease. Therefore, it has been classified as a Variant of Uncertain Significance.

Revvity Omics, Revvity
Classification: Uncertain significance for ZTTK syndrome. Last evaluated: 2022-02-08. Review status: criteria provided, single submitter. Criteria: ACMG Guidelines, 2015. Collection method: clinical testing. Allele origin: germline.

NM_138927.4(SON):c.1898C>T (p.Pro633Leu)

Gene: SON (SON DNA and RNA binding protein; plus strand). Cytogenetic location: 21q22.11.
Variant type: single nucleotide variant.
Coding change: c.1898C>T on transcript NM_138927.4 (MANE Select); coding-DNA position 1898, C replaced by T.
Protein change: p.Pro633Leu; replaces proline 633 with leucine.
Molecular consequence: missense variant. On other transcripts: non-coding transcript variant (1), intron variant (1).
Genome position (GRCh38, 1-based): chr21:33,551,129, C>T. VCF-style: chr21-33551129-C-T. GRCh37 (hg19) VCF-style: chr21-34923435-C-T.
Other names: c.1898C>T, p.Pro633Leu (NM_001291411.2, NM_001412133.1, NM_032195.3 and 2 more transcripts); c.244+4750C>T (NM_001291412.3); short protein forms P633L.
Identifiers: ClinVar variation 2436223 (VCV002436223.6), dbSNP rs2517358398, ClinGen allele CA410155738.